The following is an entry in ClinVar:

ClinVar aggregate classification (germline): Uncertain significance. Review status: criteria provided, multiple submitters, no conflicts (2 of 4 stars). 3 submissions from 3 submitters: Uncertain significance (3). Last evaluated 2025-11-01.

Allele frequency attached by ClinVar (database versions not stated): ExAC 0.00003; gnomAD 0.00003 and 0.00004; gnomAD exomes 0.00003 and 0.00004; TOPMed 0.00008.
gnomAD v4.1: 51 of 1,609,610 alleles (0.0032%); highest among the groups gnomAD compares: Admixed American, 0.0067%; no homozygotes.

Submissions (3):

CeGaT Center for Human Genetics Tuebingen
Classification: Uncertain significance. Last evaluated: 2025-11-01. Review status: criteria provided, single submitter. Criteria: CeGaT Center For Human Genetics Tuebingen Variant Classification Criteria Version 2. Collection method: clinical testing. Allele origin: germline. Affected: yes. Observed: 1 variant allele.
Comment: MIB1: PM2:Supporting

AiLife Diagnostics
Classification: Uncertain significance. Last evaluated: 2021-08-25. Review status: criteria provided, single submitter. Criteria: ACMG Guidelines, 2015. Collection method: clinical testing. Allele origin: germline. Affected: yes. Observed: 1 variant allele.

Breakthrough Genomics
Classification: Uncertain significance. Review status: criteria provided, single submitter. Criteria: ACMG Guidelines, 2015. Collection method: not provided. Allele origin: germline. Inheritance: Autosomal dominant inheritance. Affected: yes.

NM_020774.4(MIB1):c.475C>T (p.Arg159Ter)

Gene: MIB1 (MIB E3 ubiquitin protein ligase 1; plus strand). Cytogenetic location: 18q11.2.
Variant type: single nucleotide variant.
Coding change: c.475C>T on transcript NM_020774.4 (MANE Select); coding-DNA position 475, C replaced by T.
Protein change: p.Arg159Ter; replaces arginine 159 with a stop codon.
Molecular consequence: nonsense.
Genome position (GRCh38, 1-based): chr18:21,768,696, C>T. VCF-style: chr18-21768696-C-T. GRCh37 (hg19) VCF-style: chr18-19348657-C-T.
Other names: short protein forms R159*.
Identifiers: ClinVar variation 1677470 (VCV001677470.8), dbSNP rs199676571, ClinGen allele CA8908012.